The following is an entry in ClinVar:

ClinVar aggregate classification (germline): Uncertain significance (1 of 4 stars; one submission).

Submission:

Dasa
Classification: Uncertain significance. Last evaluated: 2025-05-22. Review status: criteria provided, single submitter. Criteria: DASA Assertion Criteria. Collection method: clinical testing. Allele origin: germline.
Comment: NM_021927.3(GUF1):c.832G>A (p.Gly278Arg) is a missense variant that results in the substitution of glycine with arginine. This variant is rare in population databases. Computational prediction algorithms are consistent with a deleterious effect. The currently available literature and clinical evidence are not sufficient to establish a definitive association between this variant and the reported condition. Therefore, this variant is classified as a variant of uncertain significance.

NM_021927.3(GUF1):c.832G>A (p.Gly278Arg)

Gene: GUF1 (GTP binding elongation factor GUF1; plus strand). Cytogenetic location: 4p12.
Variant type: single nucleotide variant.
Coding change: c.832G>A on transcript NM_021927.3 (MANE Select); coding-DNA position 832, G replaced by A.
Protein change: p.Gly278Arg; replaces glycine 278 with arginine.
Molecular consequence: missense variant. On other transcripts: 5 prime UTR variant (2).
Genome position (GRCh38, 1-based): chr4:44,686,607, G>A. VCF-style: chr4-44686607-G-A. GRCh37 (hg19) VCF-style: chr4-44688624-G-A.
Other names: c.-141G>A (NM_001345867.2, NM_001345869.2); c.832G>A, p.Gly278Arg (NM_001345868.2); short protein forms G278R.
Identifiers: ClinVar variation 4886648 (VCV004886648.2).